The following is an entry in ClinVar:

ClinVar aggregate classification (germline): Uncertain significance. Review status: criteria provided, multiple submitters, no conflicts (2 of 4 stars). 6 submissions from 6 submitters: Uncertain significance (6). Last evaluated 2026-01-25.

Conditions:
Progressive external ophthalmoplegia with mitochondrial DNA deletions, autosomal dominant 4. Also called: PROGRESSIVE EXTERNAL OPHTHALMOPLEGIA, AUTOSOMAL DOMINANT 4. Identifiers: MedGen C1864668, MONDO:0012415, OMIM 610131.
Mitochondrial dna depletion syndrome 16B (neuroophthalmic type). Identifiers: MedGen C5543632, MONDO:0030326, OMIM 619425.
Mitochondrial DNA depletion syndrome 16 (hepatic type). Identifiers: MedGen C5193142, MONDO:0032799, OMIM 618528.

Allele frequency attached by ClinVar (database versions not stated): gnomAD 0.00003; ESP Exome Variant Server 0.00008; TOPMed 0.00011.
gnomAD v4.1: 275 of 1,613,000 alleles (0.017%); highest among the groups gnomAD compares: Middle Eastern, 0.033%; no homozygotes.

Submissions (6):

Labcorp Genetics (formerly Invitae), Labcorp
Classification: Uncertain significance. Last evaluated: 2026-01-25. Review status: criteria provided, single submitter. Criteria: Invitae Variant Classification Sherloc (09022015). Collection method: clinical testing. Allele origin: germline.
Comment: This sequence change replaces proline, which is neutral and non-polar, with leucine, which is neutral and non-polar, at codon 245 of the POLG2 protein (p.Pro245Leu). This variant is present in population databases (rs61751984, gnomAD 0.02%). This variant has not been reported in the literature in individuals affected with POLG2-related conditions. ClinVar contains an entry for this variant (Variation ID: 215030). An algorithm developed to predict the effect of missense changes on protein structure and function (PolyPhen-2) suggests that this variant is likely to be tolerated. In summary, the available evidence is currently insufficient to determine the role of this variant in disease. Therefore, it has been classified as a Variant of Uncertain Significance.

Blueprint Genetics
Classification: Uncertain significance. Last evaluated: 2024-07-22. Review status: criteria provided, single submitter. Criteria: ACMG Guidelines, 2015. Collection method: clinical testing. Allele origin: germline.

Ambry Genetics
Classification: Uncertain significance. Last evaluated: 2024-03-18. Review status: criteria provided, single submitter. Criteria: Ambry Variant Classification Scheme 2023. Collection method: clinical testing. Allele origin: germline.

CeGaT Center for Human Genetics Tuebingen
Classification: Uncertain significance. Last evaluated: 2023-05-01. Review status: criteria provided, single submitter. Criteria: CeGaT Center For Human Genetics Tuebingen Variant Classification Criteria Version 2. Collection method: clinical testing. Allele origin: germline. Affected: yes. Observed: 2 variant alleles.

Department of Pathology and Laboratory Medicine, Sinai Health System
Classification: Uncertain significance for Progressive external ophthalmoplegia with mitochondrial DNA deletions, autosomal dominant 4; Mitochondrial DNA depletion syndrome 16 (hepatic type); Mitochondrial dna depletion syndrome 16B (neuroophthalmic type). Last evaluated: 2022-12-14. Review status: criteria provided, single submitter. Criteria: ACMG Guidelines, 2015. Collection method: research. Allele origin: germline.

GeneDx
Classification: Uncertain significance. Last evaluated: 2020-07-10. Review status: criteria provided, single submitter. Criteria: GeneDx Variant Classification Process June 2021. Collection method: clinical testing. Allele origin: germline. Affected: yes.
Comment: In silico analysis supports that this missense variant has a deleterious effect on protein structure/function; Has not been previously published as pathogenic or benign to our knowledge

NM_007215.4(POLG2):c.734C>T (p.Pro245Leu)

Genes: MILR1 (mast cell immunoglobulin like receptor 1; plus strand), POLG2 (DNA polymerase gamma 2, accessory subunit; minus strand). Cytogenetic location: 17q23.3.
Variant type: single nucleotide variant.
Coding change: c.734C>T on transcript NM_007215.4 (MANE Select); coding-DNA position 734, C replaced by T.
Protein change: p.Pro245Leu; replaces proline 245 with leucine.
Molecular consequence: missense variant.
Genome position (GRCh38, 1-based): chr17:64,492,728, G>A on the plus strand (C>T on the coding strand, the complement: POLG2 is on the minus strand). VCF-style: chr17-64492728-G-A. GRCh37 (hg19) VCF-style: chr17-62488845-G-A.
Other names: p.P245L:CCG>CTG; short protein forms P245L.
Identifiers: ClinVar variation 215030 (VCV000215030.35), dbSNP rs61751984, ClinGen allele CA320505.